The following is an entry in ClinVar:

NM_001754.5(RUNX1):c.445G>A (p.Ala149Thr)

Genes: RUNX1 (RUNX family transcription factor 1; minus strand), RUNX1-AS1 (RUNX1 antisense RNA 1; plus strand). Cytogenetic location: 21q22.12.
Variant type: single nucleotide variant.
Coding change: c.445G>A on transcript NM_001754.5 (MANE Select); coding-DNA position 445, G replaced by A.
Protein change: p.Ala149Thr; replaces alanine 149 with threonine.
Molecular consequence: missense variant.
Genome position (GRCh38, 1-based): chr21:34,880,620, C>T on the plus strand (G>A on the coding strand, the complement: RUNX1 is on the minus strand). VCF-style: chr21-34880620-C-T. GRCh37 (hg19) VCF-style: chr21-36252917-C-T.
Other names: NM_001754.5(RUNX1):c.445G>A; p.Ala149Thr; c.364G>A, p.Ala122Thr (NM_001001890.3, NM_001122607.2); short protein forms A149T, A122T.
Identifiers: ClinVar variation 532652 (VCV000532652.15), dbSNP rs752926959, ClinGen allele CA10014513.

ClinVar aggregate classification (germline): Uncertain significance. Review status: reviewed by expert panel (3 of 4 stars). 4 submissions from 4 submitters: Uncertain significance (1). 3 of the submissions do not count toward it. Last evaluated 2024-07-25.

Conditions:
Hereditary thrombocytopenia and hematological cancer predisposition syndrome associated with RUNX1. Also called: PLATELET DISORDER, ASPIRIN-LIKE; Familial thrombocytopenia with propensity to acute myelogenous leukemia; Familial Platelet Disorder with Propensity to Acute Myelogenous Leukemia; RUNX1 Familial Platelet Disorder with Associated Myeloid Malignancies. Identifiers: Orphanet 71290, MedGen C1832388, MeSH C563324, MONDO:0100083, OMIM 601399.
Hereditary thrombocytopenia and hematologic cancer predisposition syndrome. Identifiers: Orphanet 71290, MedGen CN281654, MONDO:0011071.
Inborn genetic diseases. Identifiers: MedGen C0950123, MeSH D030342.
Acute myeloid leukemia (AML). Also called: Leukemia, acute myeloid, somatic; Leukemia, acute myelogenous, somatic; Acute myeloid leukemia, adult; AML adult; Acute non-lymphocytic leukemia; Acute granulocytic leukemia. Identifiers: Orphanet 519, MedGen C0023467, MeSH D015470, MONDO:0018874, OMIM 601626, HP:0004808. Disease mechanism: Constitutively activated FLT3.

Allele frequency attached by ClinVar (database versions not stated): gnomAD exomes below 0.00001; ExAC 0.00001; gnomAD 0.00001; TOPMed 0.00001.
gnomAD v4.1: 4 of 1,613,826 alleles (0.00025%); highest among the groups gnomAD compares: Non-Finnish European, 0.00034%; no homozygotes.

Submissions (4):

ClinGen Myeloid Malignancy Variant Curation Expert Panel
Classification: Uncertain significance for Hereditary thrombocytopenia and hematologic cancer predisposition syndrome. Last evaluated: 2024-07-25. Review status: reviewed by expert panel. Criteria: ClinGen MyeloMalig ACMG Specifications v2. Collection method: curation. Allele origin: germline. Inheritance: Autosomal dominant inheritance.
Comment: NM_001754.5(RUNX1):c.445G>A (p.Ala149Thr) is a missense variant which is located within the Runt Homology Domain (AA 89-204), but does not occur in an established hotspot residue (PM1_supporting). In summary, the clinical significance of this variant is uncertain. ACMG/AMP criteria applied, as specified by the Myeloid Malignancy Variant Curation Expert Panel for RUNX1: PM1_supporting.

Ambry Genetics
Classification: Uncertain significance for Inborn genetic diseases. Last evaluated: 2025-03-21. Review status: criteria provided, single submitter. Criteria: Ambry Variant Classification Scheme 2023. Collection method: clinical testing. Allele origin: germline. Not counted in ClinVar's aggregate classification.
Comment: The p.A149T variant (also known as c.445G>A), located in coding exon 4 of the RUNX1 gene, results from a G to A substitution at nucleotide position 445. The alanine at codon 149 is replaced by threonine, an amino acid with similar properties. This amino acid position is well conserved in available vertebrate species. In addition, this alteration is predicted to be deleterious by in silico analysis. Based on the available evidence, the clinical significance of this variant remains unclear.

Labcorp Genetics (formerly Invitae), Labcorp
Classification: Uncertain significance for Hereditary thrombocytopenia and hematological cancer predisposition syndrome associated with RUNX1. Last evaluated: 2024-04-11. Review status: criteria provided, single submitter. Criteria: Invitae Variant Classification Sherloc (09022015). Collection method: clinical testing. Allele origin: germline. Not counted in ClinVar's aggregate classification.
Comment: This sequence change replaces alanine, which is neutral and non-polar, with threonine, which is neutral and polar, at codon 149 of the RUNX1 protein (p.Ala149Thr). This variant is not present in population databases (gnomAD no frequency). This variant has not been reported in the literature in individuals affected with RUNX1-related conditions. ClinVar contains an entry for this variant (Variation ID: 532652). Advanced modeling of protein sequence and biophysical properties (such as structural, functional, and spatial information, amino acid conservation, physicochemical variation, residue mobility, and thermodynamic stability) performed at Invitae indicates that this missense variant is not expected to disrupt RUNX1 protein function with a negative predictive value of 80%. In summary, the available evidence is currently insufficient to determine the role of this variant in disease. Therefore, it has been classified as a Variant of Uncertain Significance.

Baylor Genetics
Classification: Uncertain significance for Acute myeloid leukemia. Last evaluated: 2023-11-10. Review status: criteria provided, single submitter. Criteria: ACMG Guidelines, 2015. Collection method: clinical testing. Allele origin: unknown. Not counted in ClinVar's aggregate classification.